The following is an entry in ClinVar:

NM_001792.5(CDH2):c.1405C>T (p.Pro469Ser)

Gene: CDH2 (cadherin 2; minus strand). Cytogenetic location: 18q12.1.
Variant type: single nucleotide variant.
Coding change: c.1405C>T on transcript NM_001792.5 (MANE Select); coding-DNA position 1405, C replaced by T.
Protein change: p.Pro469Ser; replaces proline 469 with serine.
Molecular consequence: missense variant.
Genome position (GRCh38, 1-based): chr18:27,990,290, G>A on the plus strand (C>T on the coding strand, the complement: CDH2 is on the minus strand). VCF-style: chr18-27990290-G-A. GRCh37 (hg19) VCF-style: chr18-25570254-G-A.
Other names: c.1312C>T, p.Pro438Ser (NM_001308176.2); short protein forms P438S, P469S.
Identifiers: ClinVar variation 2579924 (VCV002579924.1), dbSNP rs2510797073, ClinGen allele CA402109298.

ClinVar aggregate classification (germline): Uncertain significance (1 of 4 stars; one submission).

Submission:

GeneDx
Classification: Uncertain significance. Last evaluated: 2023-03-18. Review status: criteria provided, single submitter. Criteria: GeneDx Variant Classification Process June 2021. Collection method: clinical testing. Allele origin: germline. Affected: yes.
Comment: Has not been previously published as pathogenic or benign to our knowledge; Not observed at significant frequency in large population cohorts (gnomAD); In silico analysis supports that this missense variant has a deleterious effect on protein structure/function